The following is an entry in ClinVar:

NM_000551.4(VHL):c.28G>A (p.Glu10Lys)

Gene: VHL (von Hippel-Lindau tumor suppressor; plus strand). Cytogenetic location: 3p25.3.
Variant type: single nucleotide variant.
Coding change: c.28G>A on transcript NM_000551.4 (MANE Select); coding-DNA position 28, G replaced by A.
Protein change: p.Glu10Lys; replaces glutamic acid 10 with lysine.
Molecular consequence: missense variant.
Genome position (GRCh38, 1-based): chr3:10,141,875, G>A. VCF-style: chr3-10141875-G-A. GRCh37 (hg19) VCF-style: chr3-10183559-G-A.
Other names: c.28G>A, p.Glu10Lys (NM_001354723.2, NM_198156.3); short protein forms E10K.
Identifiers: ClinVar variation 374982 (VCV000374982.25), dbSNP rs1057519261, ClinGen allele CA16043991.

ClinVar aggregate classification (germline): Conflicting classifications of pathogenicity. Review status: criteria provided, conflicting classifications (1 of 4 stars). 10 submissions from 10 submitters: Uncertain significance (7); Likely benign (2). 1 of the submissions does not count toward it. Last evaluated 2025-12-17.

Conditions:
Von Hippel-Lindau syndrome (VHLS). Also called: VHL syndrome; von Hippel–Lindau syndrome; Von Hippel-Lindau. Identifiers: Orphanet 892, MedGen C0019562, MONDO:0008667, OMIM 193300. Disease mechanism: loss of function.
Chuvash polycythemia. Also called: POLYCYTHEMIA, VHL-DEPENDENT. Identifiers: Orphanet 238557, MedGen C1837915, MONDO:0009892, OMIM 263400.
VHL-related disorder. Also called: VHL-related condition.
Hereditary cancer-predisposing syndrome. Also called: Hereditary neoplastic syndrome; Neoplastic Syndromes, Hereditary; Hereditary Cancer Syndrome; Tumor predisposition. Identifiers: Orphanet 140162, MedGen C0027672, MeSH D009386, MONDO:0015356.
Nonpapillary renal cell carcinoma. Identifiers: Orphanet 422526, MedGen CN074294, MONDO:0007763, OMIM 144700.
Pheochromocytoma. Also called: MAX-Related Hereditary Paraganglioma-Pheochromocytoma Syndrome. Identifiers: Orphanet 29072, MedGen C0031511, MONDO:0008233, OMIM 171300, HP:0002666.

Allele frequency attached by ClinVar (database versions not stated): gnomAD exomes 0.00004; gnomAD 0.00006; TOPMed 0.00008.

Submissions (10):

Labcorp Genetics (formerly Invitae), Labcorp
Classification: Uncertain significance for Von Hippel-Lindau syndrome; Chuvash polycythemia. Last evaluated: 2025-12-17. Review status: criteria provided, single submitter. Criteria: Invitae Variant Classification Sherloc (09022015). Collection method: clinical testing. Allele origin: germline.
Comment: This sequence change replaces glutamic acid, which is acidic and polar, with lysine, which is basic and polar, at codon 10 of the VHL protein (p.Glu10Lys). This variant is present in population databases (no rsID available, gnomAD 0.02%). This missense change has been observed in individual(s) with medulloblastoma (PMID: 26580448). ClinVar contains an entry for this variant (Variation ID: 374982). Invitae Evidence Modeling of protein sequence and biophysical properties (such as structural, functional, and spatial information, amino acid conservation, physicochemical variation, residue mobility, and thermodynamic stability) indicates that this missense variant is not expected to disrupt VHL protein function with a negative predictive value of 95%. In summary, the available evidence is currently insufficient to determine the role of this variant in disease. Therefore, it has been classified as a Variant of Uncertain Significance.

PreventionGenetics, part of Exact Sciences
Classification: Uncertain significance for VHL-related condition. Last evaluated: 2025-07-14. Review status: criteria provided, single submitter. Criteria: ACMG Guidelines, 2015. Collection method: clinical testing. Allele origin: germline.
Comment: The VHL c.28G>A variant is predicted to result in the amino acid substitution p.Glu10Lys. This variant has been reported in an individual with medulloblastoma (Table S4a, Zhang et al. 2015. PubMed ID: 26580448). This variant is reported in 0.018% of alleles in individuals of African descent in gnomAD. It has conflicting interpretations of uncertain significance and likely benign in ClinVar. At this time, the clinical significance of this variant is uncertain due to the absence of conclusive functional and genetic evidence.

Myriad Genetics, Inc.
Classification: Likely benign for Von Hippel-Lindau syndrome. Last evaluated: 2024-08-06. Review status: criteria provided, single submitter. Criteria: Myriad Autosomal Dominant, Autosomal Recessive and X-Linked Classification Criteria (2023). Collection method: clinical testing. Allele origin: unknown.
Comment: This variant is considered likely benign. This variant has been observed at a population frequency that is significantly greater than expected given the associated disease prevalence and penetrance.

Baylor Genetics
Classification: Uncertain significance for Chuvash polycythemia. Last evaluated: 2024-03-28. Review status: criteria provided, single submitter. Criteria: ACMG Guidelines, 2015. Collection method: clinical testing. Allele origin: unknown.

GeneDx
Classification: Uncertain significance. Last evaluated: 2024-01-05. Review status: criteria provided, single submitter. Criteria: GeneDx Variant Classification Process June 2021. Collection method: clinical testing. Allele origin: germline. Affected: yes.
Comment: In silico analysis supports that this missense variant does not alter protein structure/function; Observed in an individual with neuroblastoma (PMID: 26580448); This variant is associated with the following publications: (PMID: 26580448)

Quest Diagnostics Nichols Institute San Juan Capistrano
Classification: Uncertain significance. Last evaluated: 2023-02-02. Review status: criteria provided, single submitter. Criteria: Quest Diagnostics criteria. Collection method: clinical testing. Allele origin: unknown.
Comment: The frequency of this variant in the general population, 0.00018 (3/16348 chromosomes in African/African American subpopulation), is higher than would generally be expected for pathogenic variants in this gene. In the published literature, the variant has been reported in an individual with medulloblastoma (PMID: 26580448 (2015)). Analysis of this variant using bioinformatics tools for the prediction of the effect of amino acid changes on protein structure and function yielded predictions that this variant is benign. Based on the available information, we are unable to determine the clinical significance of this variant.

Fulgent Genetics
Classification: Uncertain significance for Nonpapillary renal cell carcinoma; Pheochromocytoma; Von Hippel-Lindau syndrome; Chuvash polycythemia. Last evaluated: 2021-09-27. Review status: criteria provided, single submitter. Criteria: ACMG Guidelines, 2015. Collection method: clinical testing. Allele origin: unknown.

Ambry Genetics
Classification: Likely benign for Hereditary cancer-predisposing syndrome. Last evaluated: 2021-09-01. Review status: criteria provided, single submitter. Criteria: Ambry Variant Classification Scheme 2023. Collection method: clinical testing. Allele origin: germline.

Sema4
Classification: Uncertain significance for Hereditary cancer-predisposing syndrome. Last evaluated: 2021-05-02. Review status: criteria provided, single submitter. Criteria: Sema4 Curation Guidelines. Collection method: curation. Allele origin: germline.
Comment: The VHL c.28G>A (p.E10K) variant has not been reported in the literature to our knowledge. This variant was observed in 3/16348 chromosomes in the African/African American population in the large and broad cohorts of the Genome Aggregation Database (PMID: 32461654). The variant has been reported in Clinvar (Variation ID 374982). In silico tools suggest the impact of the variant on protein function to be inconclusive, although these predictions have not been confirmed by functional studies. The overall evidence is insufficient to meet ACMG/AMP criteria for classifying it as benign or pathogenic. Thus, the clinical significance of this variant is currently uncertain.

Knight Diagnostic Laboratories, Oregon Health and Sciences University
Classification: Uncertain significance for Von Hippel-Lindau syndrome. Last evaluated: 2015-12-04. Review status: no assertion criteria provided. Criteria: ACMG Guidelines, 2015. Collection method: clinical testing. Allele origin: germline. Affected: no. Study: CSER-NextGen. Not counted in ClinVar's aggregate classification.

Literature cited by the submitters: PubMed 26580448 (cited by 3 submitters).